The following is an entry in ClinVar:

ClinVar aggregate classification (germline): Uncertain significance (1 of 4 stars; one submission).

Submission:

Labcorp Genetics (formerly Invitae), Labcorp
Classification: Uncertain significance. Last evaluated: 2026-01-26. Review status: criteria provided, single submitter. Criteria: Invitae Variant Classification Sherloc (09022015). Collection method: clinical testing. Allele origin: germline.
Comment: This sequence change replaces valine, which is neutral and non-polar, with methionine, which is neutral and non-polar, at codon 334 of the PPP2R1A protein (p.Val334Met). This variant is not present in population databases (gnomAD no frequency). This variant has not been reported in the literature in individuals affected with PPP2R1A-related conditions. An algorithm developed to predict the effect of missense changes on protein structure and function (PolyPhen-2) suggests that this variant is likely to be disruptive. In summary, the available evidence is currently insufficient to determine the role of this variant in disease. Therefore, it has been classified as a Variant of Uncertain Significance.

NM_014225.6(PPP2R1A):c.1000G>A (p.Val334Met)

Gene: PPP2R1A (protein phosphatase 2 scaffold subunit Aalpha; plus strand). Cytogenetic location: 19q13.41.
Variant type: single nucleotide variant.
Coding change: c.1000G>A on transcript NM_014225.6 (MANE Select); coding-DNA position 1000, G replaced by A.
Protein change: p.Val334Met; replaces valine 334 with methionine.
Molecular consequence: missense variant. On other transcripts: non-coding transcript variant (1).
Genome position (GRCh38, 1-based): chr19:52,216,535, G>A. VCF-style: chr19-52216535-G-A. GRCh37 (hg19) VCF-style: chr19-52719788-G-A.
Other names: c.463G>A, p.Val155Met (NM_001363656.2); short protein forms V155M, V334M.
Identifiers: ClinVar variation 4736195 (VCV004736195.1).